The following is an entry in ClinVar:

ClinVar aggregate classification (germline): Uncertain significance (1 of 4 stars; one submission).

Conditions:
Primary ciliary dyskinesia. Also called: Ciliary dyskinesia. Identifiers: Orphanet 244, MedGen C0008780, MONDO:0016575, HP:0012265.

Submission:

Labcorp Genetics (formerly Invitae), Labcorp
Classification: Uncertain significance for Primary ciliary dyskinesia. Last evaluated: 2020-11-13. Review status: criteria provided, single submitter. Criteria: Invitae Variant Classification Sherloc (09022015). Collection method: clinical testing. Allele origin: germline.
Comment: In summary, the available evidence is currently insufficient to determine the role of this variant in disease. Therefore, it has been classified as a Variant of Uncertain Significance. Algorithms developed to predict the effect of missense changes on protein structure and function are either unavailable or do not agree on the potential impact of this missense change (SIFT: "Deleterious"; PolyPhen-2: "Benign"; Align-GVGD: "Class C0"). This variant has not been reported in the literature in individuals with RPGR-related conditions. This variant is not present in population databases (ExAC no frequency). This sequence change replaces methionine with arginine at codon 719 of the RPGR protein (p.Met719Arg). The methionine residue is weakly conserved and there is a moderate physicochemical difference between methionine and arginine.

NC_000023.11:g.38273471A>C

Gene: RPGR (retinitis pigmentosa GTPase regulator; minus strand). Cytogenetic location: Xp11.4.
Variant type: single nucleotide variant.
Molecular consequence: missense variant (on NM_000328.3). On other transcripts: non-coding transcript variant (6).
Genome position: GRCh38 VCF-style: chrX-38273471-A-C. GRCh37 (hg19) VCF-style: chrX-38132724-A-C.
Other names: c.2156T>G, p.Met719Arg (NM_000328.3); c.2153T>G, p.Met718Arg (NM_001367245.1); c.1970T>G, p.Met657Arg (NM_001367246.1); c.1823T>G, p.Met608Arg (NM_001367247.1); c.1853T>G, p.Met618Arg (NM_001367248.1); c.1820T>G, p.Met607Arg (NM_001367249.1, NM_001367250.1); c.1637T>G, p.Met546Arg (NM_001367251.1); short protein forms M546R, M607R, M718R, M608R, M618R, M719R, M657R.
Identifiers: ClinVar variation 1346680 (VCV001346680.8), dbSNP rs1399519309, ClinGen allele CA412724486.